The following is an entry in ClinVar:

NM_001267550.2(TTN):c.66349G>A (p.Ala22117Thr)

Genes: TTN-AS1 (TTN antisense RNA 1; plus strand), TTN (titin; minus strand). Cytogenetic location: 2q31.2.
Variant type: single nucleotide variant.
Coding change: c.66349G>A on transcript NM_001267550.2 (MANE Select); coding-DNA position 66349, G replaced by A.
Protein change: p.Ala22117Thr; replaces alanine 22117 with threonine.
Molecular consequence: missense variant.
Genome position (GRCh38, 1-based): chr2:178,582,020, C>T on the plus strand (G>A on the coding strand, the complement: TTN is on the minus strand). VCF-style: chr2-178582020-C-T. GRCh37 (hg19) VCF-style: chr2-179446747-C-T.
Other names: c.58645G>A, p.Ala19549Thr (NM_133378.4); c.61426G>A, p.Ala20476Thr (NM_001256850.1); c.39154G>A, p.Ala13052Thr (NM_003319.4); c.39529G>A, p.Ala13177Thr (NM_133432.3); c.39730G>A, p.Ala13244Thr (NM_133437.4); short protein forms A19549T, A22117T, A13052T, A13244T, A20476T, A13177T.
Identifiers: ClinVar variation 179667 (VCV000179667.24), dbSNP rs727505036, ClinGen allele CA184884.
Genomic context (GRCh38, chr2:178,582,020, plus strand): 5'-CAGCTTTATTTATAGCTGTAACACGGAACTCATATTCGGTACCTTCTTGAAGACCTGTTG[C>T]TTTTAATGTTCTTTCTATAATAGGTTTTCTGTTGACCTTAGTCCAGTTAACAGCCTGGGT-3'
Protein context (NP_001254479.2, residues 22107-22127): RKPIIERTLK[Ala22117Thr]TGLQEGTEYE

ClinVar aggregate classification (germline): Conflicting classifications of pathogenicity. Review status: criteria provided, conflicting classifications (1 of 4 stars). 6 submissions from 6 submitters: Uncertain significance (4); Likely benign (2). Last evaluated 2026-02-03.

Conditions:
TTN-related disorder. Also called: TTN-related condition; TTN-related disease; TTN-related disorders.
Dilated cardiomyopathy 1G (CMD1G). Identifiers: Orphanet 154, MedGen C1858763, MONDO:0011400, OMIM 604145.
Autosomal recessive limb-girdle muscular dystrophy type 2J (LGMDR10). Also called: Limb-girdle muscular dystrophy, type 2J; MUSCULAR DYSTROPHY, LIMB-GIRDLE, AUTOSOMAL RECESSIVE 10. Identifiers: Orphanet 140922, MedGen C1837342, MONDO:0012127, OMIM 608807.

Allele frequency attached by ClinVar (database versions not stated): gnomAD 0.00002; gnomAD exomes 0.00003 and 0.00013; TOPMed 0.00007; ExAC 0.00009.
gnomAD v4.1: 41 of 1,613,202 alleles (0.0025%); highest among the groups gnomAD compares: Admixed American, 0.063%; no homozygotes.

Submissions (6):

Labcorp Genetics (formerly Invitae), Labcorp
Classification: Likely benign for Dilated cardiomyopathy 1G; Autosomal recessive limb-girdle muscular dystrophy type 2J. Last evaluated: 2026-02-03. Review status: criteria provided, single submitter. Criteria: Invitae Variant Classification Sherloc (09022015). Collection method: clinical testing. Allele origin: germline.

PreventionGenetics, part of Exact Sciences
Classification: Uncertain significance for TTN-related condition. Last evaluated: 2025-10-06. Review status: criteria provided, single submitter. Criteria: ACMG Guidelines, 2015. Collection method: clinical testing. Allele origin: germline.
Comment: The TTN c.66349G>A variant is predicted to result in the amino acid substitution p.Ala22117Thr. To our knowledge, this variant has not been reported in the literature. This variant is reported in 0.096% of alleles in individuals of Latino descent in gnomAD. Although we suspect that this variant may be benign, at this time, the clinical significance of this variant is uncertain due to the absence of conclusive functional and genetic evidence.

Women's Health and Genetics/Laboratory Corporation of America, LabCorp
Classification: Uncertain significance. Last evaluated: 2023-12-10. Review status: criteria provided, single submitter. Criteria: LabCorp Variant Classification Summary - May 2015. Collection method: clinical testing. Allele origin: germline.

Revvity Omics, Revvity
Classification: Uncertain significance. Last evaluated: 2023-03-15. Review status: criteria provided, single submitter. Criteria: ACMG Guidelines, 2015. Collection method: clinical testing. Allele origin: germline.

Mayo Clinic Laboratories, Mayo Clinic
Classification: Uncertain significance. Last evaluated: 2020-09-30. Review status: criteria provided, single submitter. Criteria: ACMG Guidelines, 2015. Collection method: clinical testing. Allele origin: germline. Observed: 1 variant allele.

Laboratory for Molecular Medicine, Mass General Brigham Personalized Medicine
Classification: Likely benign. Last evaluated: 2019-02-13. Review status: criteria provided, single submitter. Criteria: LMM Criteria. Collection method: clinical testing. Allele origin: germline. Observed: 1 variant allele.
Comment: The p.Ala19549Thr variant in TTN is classified as likely benign because it has been identified in 0.1% (34/34392) of Latino chromosomes by gnomAD. ACMG/AMP Criteria applied: BS1.